The following is an entry in ClinVar:

NM_020433.5(JPH2):c.1652C>T (p.Pro551Leu)

Gene: JPH2 (junctophilin 2; minus strand). Cytogenetic location: 20q13.12.
Variant type: single nucleotide variant.
Coding change: c.1652C>T on transcript NM_020433.5 (MANE Select); coding-DNA position 1652, C replaced by T.
Protein change: p.Pro551Leu; replaces proline 551 with leucine.
Molecular consequence: missense variant.
Genome position (GRCh38, 1-based): chr20:44,116,023, G>A on the plus strand (C>T on the coding strand, the complement: JPH2 is on the minus strand). VCF-style: chr20-44116023-G-A. GRCh37 (hg19) VCF-style: chr20-42744663-G-A.
Other names: short protein forms P551L.
Identifiers: ClinVar variation 2156050 (VCV002156050.6), dbSNP rs760091886, ClinGen allele CA9868648.

ClinVar aggregate classification (germline): Uncertain significance. Review status: criteria provided, multiple submitters, no conflicts (2 of 4 stars). 2 submissions from 2 submitters: Uncertain significance (2). Last evaluated 2024-05-25.

Conditions:
Cardiovascular phenotype. Identifiers: MedGen CN230736.
Hypertrophic cardiomyopathy. Also called: HYPERTROPHIC MYOCARDIOPATHY. Identifiers: Orphanet 217569, MedGen C0007194, MeSH D002312, MONDO:0005045, HP:0001639.

Allele frequency attached by ClinVar (database versions not stated): gnomAD exomes 0.00001; gnomAD 0.00002; TOPMed 0.00002; ExAC 0.00005.
gnomAD v4.1: 12 of 1,580,276 alleles (0.00076%); highest among the groups gnomAD compares: East Asian, 0.0046%; no homozygotes.

Submissions (2):

Ambry Genetics
Classification: Uncertain significance for Cardiovascular phenotype. Last evaluated: 2024-05-25. Review status: criteria provided, single submitter. Criteria: Ambry Variant Classification Scheme 2023. Collection method: clinical testing. Allele origin: germline.
Comment: The p.P551L variant (also known as c.1652C>T), located in coding exon 4 of the JPH2 gene, results from a C to T substitution at nucleotide position 1652. The proline at codon 551 is replaced by leucine, an amino acid with similar properties. This amino acid position is conserved. In addition, this alteration is predicted to be tolerated by in silico analysis. Based on the available evidence, the clinical significance of this variant remains unclear.

Labcorp Genetics (formerly Invitae), Labcorp
Classification: Uncertain significance for Hypertrophic cardiomyopathy. Last evaluated: 2022-06-07. Review status: criteria provided, single submitter. Criteria: Invitae Variant Classification Sherloc (09022015). Collection method: clinical testing. Allele origin: germline.
Comment: Algorithms developed to predict the effect of missense changes on protein structure and function are either unavailable or do not agree on the potential impact of this missense change (SIFT: "Tolerated"; PolyPhen-2: "Probably Damaging"; Align-GVGD: "Class C0"). In summary, the available evidence is currently insufficient to determine the role of this variant in disease. Therefore, it has been classified as a Variant of Uncertain Significance. This variant has not been reported in the literature in individuals affected with JPH2-related conditions. The frequency data for this variant in the population databases is considered unreliable, as metrics indicate poor data quality at this position in the gnomAD database. This sequence change replaces proline, which is neutral and non-polar, with leucine, which is neutral and non-polar, at codon 551 of the JPH2 protein (p.Pro551Leu).